The following is an entry in ClinVar:

ClinVar aggregate classification (germline): Uncertain significance. Review status: criteria provided, multiple submitters, no conflicts (2 of 4 stars). 2 submissions from 2 submitters: Uncertain significance (2). Last evaluated 2019-05-20.

Conditions:
Hereditary cancer-predisposing syndrome. Also called: Neoplastic Syndromes, Hereditary; Tumor predisposition; Hereditary neoplastic syndrome; Hereditary Cancer Syndrome. Identifiers: Orphanet 140162, MedGen C0027672, MeSH D009386, MONDO:0015356.

Allele frequency attached by ClinVar (database versions not stated): TOPMed below 0.00001.

Submissions (2):

Labcorp Genetics (formerly Invitae), Labcorp
Classification: Uncertain significance for Hereditary cancer-predisposing syndrome. Last evaluated: 2019-05-20. Review status: criteria provided, single submitter. Criteria: Invitae Variant Classification Sherloc (09022015). Collection method: clinical testing. Allele origin: germline.
Comment: Algorithms developed to predict the effect of missense changes on protein structure and function are either unavailable or do not agree on the potential impact of this missense change (SIFT: "Deleterious"; PolyPhen-2: "Probably Damaging"; Align-GVGD: "Class C0"). In summary, the available evidence is currently insufficient to determine the role of this variant in disease. Therefore, it has been classified as a Variant of Uncertain Significance. This variant has not been reported in the literature in individuals with RAD50-related conditions. This sequence change replaces leucine with valine at codon 144 of the RAD50 protein (p.Leu144Val). The leucine residue is highly conserved and there is a small physicochemical difference between leucine and valine. This variant is not present in population databases (ExAC no frequency).

Ambry Genetics
Classification: Uncertain significance for Hereditary cancer-predisposing syndrome. Last evaluated: 2018-04-23. Review status: criteria provided, single submitter. Criteria: Ambry Variant Classification Scheme 2023. Collection method: clinical testing. Allele origin: germline.
Comment: The p.L144V variant (also known as c.430C>G), located in coding exon 4 of the RAD50 gene, results from a C to G substitution at nucleotide position 430. The leucine at codon 144 is replaced by valine, an amino acid with highly similar properties. This amino acid position is well conserved in available vertebrate species. In addition, this alteration is predicted to be tolerated by in silico analysis. Since supporting evidence is limited at this time, the clinical significance of this alteration remains unclear.

NM_005732.4(RAD50):c.430C>G (p.Leu144Val)

Gene: RAD50 (RAD50 double strand break repair protein; plus strand). Cytogenetic location: 5q31.1.
Variant type: single nucleotide variant.
Coding change: c.430C>G on transcript NM_005732.4 (MANE Select); coding-DNA position 430, C replaced by G.
Protein change: p.Leu144Val; replaces leucine 144 with valine.
Molecular consequence: missense variant.
Genome position (GRCh38, 1-based): chr5:132,579,381, C>G. VCF-style: chr5-132579381-C-G. GRCh37 (hg19) VCF-style: chr5-131915073-C-G.
Other names: short protein forms L144V.
Identifiers: ClinVar variation 824779 (VCV000824779.14), dbSNP rs1580987196, ClinGen allele CA360933899.